The following is an entry in ClinVar:

NM_024577.4(SH3TC2):c.2965G>A (p.Ala989Thr)

Gene: SH3TC2 (SH3 domain and tetratricopeptide repeats 2; minus strand). Cytogenetic location: 5q32.
Variant type: single nucleotide variant.
Coding change: c.2965G>A on transcript NM_024577.4 (MANE Select); coding-DNA position 2965, G replaced by A.
Protein change: p.Ala989Thr; replaces alanine 989 with threonine.
Molecular consequence: missense variant.
Genome position (GRCh38, 1-based): chr5:149,026,660, C>T on the plus strand (G>A on the coding strand, the complement: SH3TC2 is on the minus strand). VCF-style: chr5-149026660-C-T. GRCh37 (hg19) VCF-style: chr5-148406223-C-T.
Other names: short protein forms A989T.
Identifiers: ClinVar variation 1909339 (VCV001909339.3), dbSNP rs1223935059, ClinGen allele CA361665229.

ClinVar aggregate classification (germline): Uncertain significance (1 of 4 stars; one submission).

Conditions:
Charcot-Marie-Tooth disease type 4. Also called: Charcot-Marie-Tooth disease, type IV; Charcot-Marie-Tooth, Type 4. Identifiers: Orphanet 64749, MedGen C4082197, MONDO:0018995.

Allele frequency attached by ClinVar (database versions not stated): gnomAD exomes below 0.00001; gnomAD 0.00001.
gnomAD v4.1: 4 of 1,614,072 alleles (0.00025%); highest among the groups gnomAD compares: Non-Finnish European, 0.00034%; no homozygotes.

Submission:

Labcorp Genetics (formerly Invitae), Labcorp
Classification: Uncertain significance for Charcot-Marie-Tooth disease type 4. Last evaluated: 2022-04-22. Review status: criteria provided, single submitter. Criteria: Invitae Variant Classification Sherloc (09022015). Collection method: clinical testing. Allele origin: germline.
Comment: This variant has not been reported in the literature in individuals affected with SH3TC2-related conditions. This sequence change replaces alanine, which is neutral and non-polar, with threonine, which is neutral and polar, at codon 989 of the SH3TC2 protein (p.Ala989Thr). This variant is present in population databases (no rsID available, gnomAD 0.0009%). Advanced modeling of protein sequence and biophysical properties (such as structural, functional, and spatial information, amino acid conservation, physicochemical variation, residue mobility, and thermodynamic stability) performed at Invitae indicates that this missense variant is not expected to disrupt SH3TC2 protein function. In summary, the available evidence is currently insufficient to determine the role of this variant in disease. Therefore, it has been classified as a Variant of Uncertain Significance.